The following is an entry in ClinVar:

ClinVar aggregate classification (germline): Benign/Likely benign. Review status: criteria provided, multiple submitters, no conflicts (2 of 4 stars). 3 submissions from 3 submitters: Benign (1); Likely benign (2). Last evaluated 2026-05-15.

Conditions:
Neurofibromatosis, type 1 (NF1). Also called: NEUROFIBROMATOSIS, TYPE I, SOMATIC; Peripheral type neurofibromatosis; VON RECKLINGHAUSEN DISEASE; Neurofibromatosis, type I. Identifiers: Orphanet 636, MedGen C0027831, MONDO:0018975, OMIM 162200. Disease mechanism: loss of function.
Cardiovascular phenotype. Identifiers: MedGen CN230736.
Hereditary cancer-predisposing syndrome. Also called: Tumor predisposition; Hereditary Cancer Syndrome; Hereditary neoplastic syndrome; Neoplastic Syndromes, Hereditary. Identifiers: Orphanet 140162, MedGen C0027672, MeSH D009386, MONDO:0015356.

Allele frequency attached by ClinVar (database versions not stated): gnomAD 0.00001; TOPMed 0.00001; gnomAD exomes below 0.00001.
gnomAD v4.1: 2 of 1,613,744 alleles (0.00012%); highest among the groups gnomAD compares: African/African-American, 0.0027%; no homozygotes.

Submissions (3):

Myriad Genetics, Inc.
Classification: Benign for Neurofibromatosis, type 1. Last evaluated: 2026-05-15. Review status: criteria provided, single submitter. Criteria: Myriad Autosomal Dominant, Autosomal Recessive and X-Linked Classification Criteria (2023). Collection method: clinical testing. Allele origin: unknown.
Comment: This variant is considered benign. This variant is a silent/synonymous amino acid change and it is not expected to impact splicing.

Labcorp Genetics (formerly Invitae), Labcorp
Classification: Likely benign for Neurofibromatosis, type 1. Last evaluated: 2025-07-16. Review status: criteria provided, single submitter. Criteria: Invitae Variant Classification Sherloc (09022015). Collection method: clinical testing. Allele origin: germline.

Ambry Genetics
Classification: Likely benign for Cardiovascular phenotype; Hereditary cancer-predisposing syndrome. Last evaluated: 2020-08-07. Review status: criteria provided, single submitter. Criteria: Ambry Variant Classification Scheme 2023. Collection method: clinical testing. Allele origin: germline.

NM_001042492.3(NF1):c.1956T>G (p.Arg652=)

Gene: NF1 (neurofibromin 1; plus strand). Cytogenetic location: 17q11.2.
Variant type: single nucleotide variant.
Coding change: c.1956T>G on transcript NM_001042492.3 (MANE Select); coding-DNA position 1956, T replaced by G.
Protein change: p.Arg652=; no amino-acid change (arginine 652 retained).
Molecular consequence: synonymous variant.
Genome position (GRCh38, 1-based): chr17:31,225,205, T>G. VCF-style: chr17-31225205-T-G. GRCh37 (hg19) VCF-style: chr17-29552223-T-G.
Other names: c.1956T>G, p.Arg652= (NM_000267.4).
Identifiers: ClinVar variation 758486 (VCV000758486.13), dbSNP rs1429522155, ClinGen allele CA499231741.